The following is an entry in ClinVar:

NM_000268.4(NF2):c.1631C>T (p.Thr544Ile)

Gene: NF2 (NF2, moesin-ezrin-radixin like (MERLIN) tumor suppressor; plus strand). Cytogenetic location: 22q12.2.
Variant type: single nucleotide variant.
Coding change: c.1631C>T on transcript NM_000268.4 (MANE Select); coding-DNA position 1631, C replaced by T.
Protein change: p.Thr544Ile; replaces threonine 544 with isoleucine.
Molecular consequence: missense variant. On other transcripts: intron variant (3).
Genome position (GRCh38, 1-based): chr22:29,681,495, C>T. VCF-style: chr22-29681495-C-T. GRCh37 (hg19) VCF-style: chr22-30077484-C-T.
Other names: c.1517C>T, p.Thr506Ile (NM_001407053.1, NM_001407056.1); c.1508C>T, p.Thr503Ile (NM_001407054.1, NM_001407058.1, NM_181829.3); c.1505C>T, p.Thr502Ile (NM_001407055.1, NM_181828.3); c.1496C>T, p.Thr499Ile (NM_001407057.1, NM_001407059.1); c.1373C>T, p.Thr458Ile (NM_001407062.1); c.1382C>T, p.Thr461Ile (NM_001407063.1, NM_181830.3, NM_181831.3); c.1097C>T, p.Thr366Ile (NM_001407065.1); c.1631C>T, p.Thr544Ile (NM_001407066.1, NM_016418.5, NM_181825.3 and 1 more transcripts); and 4 more; short protein forms T366I, T458I, T461I, T467I, T499I, T544I, T502I, T503I.
Identifiers: ClinVar variation 3919115 (VCV003919115.1).

ClinVar aggregate classification (germline): Uncertain significance (1 of 4 stars; one submission).

Conditions:
Hereditary cancer-predisposing syndrome. Also called: Hereditary Cancer Syndrome; Hereditary neoplastic syndrome; Neoplastic Syndromes, Hereditary; Tumor predisposition. Identifiers: Orphanet 140162, MedGen C0027672, MeSH D009386, MONDO:0015356.

Submission:

Ambry Genetics
Classification: Uncertain significance for Hereditary cancer-predisposing syndrome. Last evaluated: 2025-05-10. Review status: criteria provided, single submitter. Criteria: Ambry Variant Classification Scheme 2023. Collection method: clinical testing. Allele origin: germline.
Comment: The p.T544I variant (also known as c.1631C>T), located in coding exon 15 of the NF2 gene, results from a C to T substitution at nucleotide position 1631. The threonine at codon 544 is replaced by isoleucine, an amino acid with similar properties. This amino acid position is conserved. In addition, the in silico prediction for this alteration is inconclusive. Based on the available evidence, the clinical significance of this variant remains unclear.